The following is an entry in ClinVar:

ClinVar aggregate classification (germline): Uncertain significance. Review status: criteria provided, multiple submitters, no conflicts (2 of 4 stars). 2 submissions from 2 submitters: Uncertain significance (2). Last evaluated 2022-06-27.

Conditions:
Dilated cardiomyopathy 1G (CMD1G). Identifiers: Orphanet 154, MedGen C1858763, MONDO:0011400, OMIM 604145.
Autosomal recessive limb-girdle muscular dystrophy type 2J (LGMDR10). Also called: MUSCULAR DYSTROPHY, LIMB-GIRDLE, AUTOSOMAL RECESSIVE 10; Limb-girdle muscular dystrophy, type 2J. Identifiers: Orphanet 140922, MedGen C1837342, MONDO:0012127, OMIM 608807.
Cardiovascular phenotype. Identifiers: MedGen CN230736.

Allele frequency attached by ClinVar (database versions not stated): TOPMed below 0.00001.

Submissions (2):

Labcorp Genetics (formerly Invitae), Labcorp
Classification: Uncertain significance for Dilated cardiomyopathy 1G; Autosomal recessive limb-girdle muscular dystrophy type 2J. Last evaluated: 2022-06-27. Review status: criteria provided, single submitter. Criteria: Invitae Variant Classification Sherloc (09022015). Collection method: clinical testing. Allele origin: germline.
Comment: In summary, the available evidence is currently insufficient to determine the role of this variant in disease. Therefore, it has been classified as a Variant of Uncertain Significance. This variant is located in the M band of TTN (PMID: 25589632). Variants in this region may be relevant for neuromuscular disorders, but have not been definitively shown to cause cardiomyopathy (PMID: 23975875). Experimental studies and prediction algorithms are not available or were not evaluated, and the functional significance of this variant is currently unknown. ClinVar contains an entry for this variant (Variation ID: 264042). This variant has not been reported in the literature in individuals affected with TTN-related conditions. This variant is not present in population databases (gnomAD no frequency). This sequence change replaces serine, which is neutral and polar, with arginine, which is basic and polar, at codon 35487 of the TTN protein (p.Ser35487Arg).

Ambry Genetics
Classification: Uncertain significance for Cardiovascular phenotype. Last evaluated: 2015-06-02. Review status: criteria provided, single submitter. Criteria: Ambry Variant Classification Scheme 2023. Collection method: clinical testing. Allele origin: germline.
Comment: The p.S26422R variant (also known as c.79266T>A), located in coding exon 186 of the TTN gene, results from a T to A substitution at nucleotide position 79266. The serine at codon 26422 is replaced by arginine, an amino acid with dissimilar properties. This variant was not reported in population based cohorts in the following databases: Database of Single Nucleotide Polymorphisms (dbSNP), NHLBI Exome Sequencing Project (ESP), and 1000 Genomes Project. In the ESP, this variant was not observed in 5877 samples (11754 alleles) with coverage at this position. This amino acid position is not well conserved in available vertebrate species. In addition, this alteration is predicted to be tolerated by in silico analysis. Since supporting evidence for this variant is limited at this time, its clinical significance is unclear.

Literature cited by the submitters: PubMed 25589632 (cited by Labcorp Genetics (formerly Invitae), Labcorp); PubMed 23975875 (cited by Labcorp Genetics (formerly Invitae), Labcorp).

NM_001267550.2(TTN):c.106461T>A (p.Ser35487Arg)

Genes: TTN-AS1 (TTN antisense RNA 1; plus strand), TTN (titin; minus strand). Cytogenetic location: 2q31.2.
Variant type: single nucleotide variant.
Coding change: c.106461T>A on transcript NM_001267550.2 (MANE Select); coding-DNA position 106461, T replaced by A.
Protein change: p.Ser35487Arg; replaces serine 35487 with arginine.
Molecular consequence: missense variant.
Genome position (GRCh38, 1-based): chr2:178,530,030, A>T on the plus strand (T>A on the coding strand, the complement: TTN is on the minus strand). VCF-style: chr2-178530030-A-T. GRCh37 (hg19) VCF-style: chr2-179394757-A-T.
Other names: c.101538T>A, p.Ser33846Arg (NM_001256850.1); c.79266T>A, p.Ser26422Arg (NM_003319.4); c.98757T>A, p.Ser32919Arg (NM_133378.4); c.79641T>A, p.Ser26547Arg (NM_133432.3); c.79842T>A, p.Ser26614Arg (NM_133437.4); short protein forms S26422R, S35487R, S26614R, S33846R, S26547R, S32919R.
Identifiers: ClinVar variation 264042 (VCV000264042.13), dbSNP rs886039020, ClinGen allele CA10587440.